The following is an entry in ClinVar:

NM_000142.5(FGFR3):c.1454A>G (p.Gln485Arg)

Gene: FGFR3 (fibroblast growth factor receptor 3; plus strand). Cytogenetic location: 4p16.3.
Variant type: single nucleotide variant.
Coding change: c.1454A>G on transcript NM_000142.5 (MANE Select); coding-DNA position 1454, A replaced by G.
Protein change: p.Gln485Arg; replaces glutamine 485 with arginine.
Molecular consequence: missense variant. On other transcripts: non-coding transcript variant (1).
Genome position (GRCh38, 1-based): chr4:1,805,396, A>G. VCF-style: chr4-1805396-A-G. GRCh37 (hg19) VCF-style: chr4-1807123-A-G.
Other names: c.1460A>G, p.Gln487Arg (NM_001163213.2); c.1457A>G, p.Gln486Arg (NM_001354809.2, NM_001354810.2); c.1118A>G, p.Gln373Arg (NM_022965.4); short protein forms Q485R, Q487R, Q373R, Q486R.
Identifiers: ClinVar variation 446197 (VCV000446197.2), dbSNP rs267606808.

ClinVar aggregate classification (germline): Uncertain significance (1 of 4 stars; one submission).

Conditions:
FGFR3-related chondrodysplasia. Identifiers: Orphanet 93420, MedGen C5681604, MONDO:0019685.

Allele frequency attached by ClinVar (database versions not stated): gnomAD exomes below 0.00001.
gnomAD v4.1: 2 of 1,612,488 alleles (0.00012%); highest among the groups gnomAD compares: Middle Eastern, 0.017%; no homozygotes.

Submission:

Genomenon, Inc
Classification: Uncertain significance for FGFR3-related chondrodysplasia. Last evaluated: 2026-06-23. Review status: criteria provided, single submitter. Criteria: Genomenon Sequence Variant Interpretation Standards - Updated. Collection method: curation. Allele origin: germline. Affected: yes.
Comment: FGFR3 p.Gln485Arg (c.1454A>G) is a missense variant that changes the amino acid at codon 485 from Glutamine to Arginine. This variant has been reported in at least one proband with an FGFR3-related disorder PMID:19449430). It is absent or not present at a significant frequency in gnomAD. In silico models predict that this variant is possibly or probably damaging. In conclusion, we classify FGFR3 p.Gln485Arg (c.1454A>G) as a variant of uncertain significance.

Literature cited by the submitters: PubMed 19449430; PubMed 34789231; PubMed 31476288; PubMed 30681580; PubMed 20034074; PubMed 24352917; PubMed 23573386; PubMed 22325359.